The following is an entry in ClinVar:

ClinVar aggregate classification (germline): Uncertain significance (1 of 4 stars; one submission).

Submission:

Labcorp Genetics (formerly Invitae), Labcorp
Classification: Uncertain significance. Last evaluated: 2022-07-15. Review status: criteria provided, single submitter. Criteria: Invitae Variant Classification Sherloc (09022015). Collection method: clinical testing. Allele origin: germline.
Comment: In summary, the available evidence is currently insufficient to determine the role of this variant in disease. Therefore, it has been classified as a Variant of Uncertain Significance. Algorithms developed to predict the effect of missense changes on protein structure and function (SIFT, PolyPhen-2, Align-GVGD) all suggest that this variant is likely to be tolerated. This variant has not been reported in the literature in individuals affected with FNIP1-related conditions. This variant is not present in population databases (gnomAD no frequency). This sequence change replaces asparagine, which is neutral and polar, with serine, which is neutral and polar, at codon 398 of the FNIP1 protein (p.Asn398Ser).

NM_133372.3(FNIP1):c.1193A>G (p.Asn398Ser)

Gene: FNIP1 (folliculin interacting protein 1; minus strand). Cytogenetic location: 5q31.1.
Variant type: single nucleotide variant.
Coding change: c.1193A>G on transcript NM_133372.3 (MANE Select); coding-DNA position 1193, A replaced by G.
Protein change: p.Asn398Ser; replaces asparagine 398 with serine.
Molecular consequence: missense variant.
Genome position (GRCh38, 1-based): chr5:131,698,926, T>C on the plus strand (A>G on the coding strand, the complement: FNIP1 is on the minus strand). VCF-style: chr5-131698926-T-C. GRCh37 (hg19) VCF-style: chr5-131034619-T-C.
Other names: c.1109A>G, p.Asn370Ser (NM_001008738.3); c.1193A>G, p.Asn398Ser (NM_001346113.2); c.1058A>G, p.Asn353Ser (NM_001346114.2); short protein forms N353S, N370S, N398S.
Identifiers: ClinVar variation 2017422 (VCV002017422.4), dbSNP rs2532172785, ClinGen allele CA360798453.